The following is an entry in ClinVar:

ClinVar aggregate classification (germline): Likely benign. Review status: criteria provided, multiple submitters, no conflicts (2 of 4 stars). 2 submissions from 2 submitters: Likely benign (2). Last evaluated 2026-07-01.

Conditions:
Leber congenital amaurosis 3 (LCA3). Also called: SPATA7-Related Retinitis Pigmentosa. Identifiers: MedGen C1858677, MONDO:0011415, OMIM 604232.

Submissions (2):

CeGaT Center for Human Genetics Tuebingen
Classification: Likely benign. Last evaluated: 2026-07-01. Review status: criteria provided, single submitter. Criteria: CeGaT Center For Human Genetics Tuebingen Variant Classification Criteria Version 2. Collection method: clinical testing. Allele origin: germline. Affected: yes. Observed: 1 variant allele.
Comment: SPATA7: BP4, BP7

Labcorp Genetics (formerly Invitae), Labcorp
Classification: Likely benign for Leber congenital amaurosis 3. Last evaluated: 2021-11-02. Review status: criteria provided, single submitter. Criteria: Invitae Variant Classification Sherloc (09022015). Collection method: clinical testing. Allele origin: germline.

NM_018418.5(SPATA7):c.1269G>T (p.Ser423=)

Gene: SPATA7 (spermatogenesis associated 7; plus strand). Cytogenetic location: 14q31.3.
Variant type: single nucleotide variant.
Coding change: c.1269G>T on transcript NM_018418.5 (MANE Select); coding-DNA position 1269, G replaced by T.
Protein change: p.Ser423=; no amino-acid change (serine 423 retained).
Molecular consequence: synonymous variant.
Genome position (GRCh38, 1-based): chr14:88,437,891, G>T. VCF-style: chr14-88437891-G-T. GRCh37 (hg19) VCF-style: chr14-88904235-G-T.
Other names: c.1173G>T, p.Ser391= (NM_001040428.4).
Identifiers: ClinVar variation 1661252 (VCV001661252.9), dbSNP rs149387181, ClinGen allele CA7298790.
Genomic context (GRCh38, chr14:88,437,891, plus strand): 5'-ATCCTAGGAAAAAATGCGCCACCTGCTGCATGTCCTGAAAGTAGACTTAGGCTGCACATC[G>T]GAGGAAAACTCGGTAAAGCAAAATGATGTTGATATGTTGAATGTATTTGATTTTGAAAAG-3'
Protein context (NP_060888.2, residues 413-433): HVLKVDLGCT[Ser423=]EENSVKQNDV